The following is an entry in ClinVar:

NM_001372.4(DNAH9):c.6784A>G (p.Met2262Val)

Gene: DNAH9 (dynein axonemal heavy chain 9; plus strand). Cytogenetic location: 17p12.
Variant type: single nucleotide variant.
Coding change: c.6784A>G on transcript NM_001372.4 (MANE Select); coding-DNA position 6784, A replaced by G.
Protein change: p.Met2262Val; replaces methionine 2262 with valine.
Molecular consequence: missense variant.
Genome position (GRCh38, 1-based): chr17:11,756,613, A>G. VCF-style: chr17-11756613-A-G. GRCh37 (hg19) VCF-style: chr17-11659930-A-G.
Other names: short protein forms M2262V.
Identifiers: ClinVar variation 3612641 (VCV003612641.2).

ClinVar aggregate classification (germline): Uncertain significance (1 of 4 stars; one submission).

gnomAD v4.1: 1 of 1,613,898 alleles (0.000062%); highest among the groups gnomAD compares: Non-Finnish European, 0.000085%; no homozygotes.

Submission:

Labcorp Genetics (formerly Invitae), Labcorp
Classification: Uncertain significance. Last evaluated: 2024-06-04. Review status: criteria provided, single submitter. Criteria: Invitae Variant Classification Sherloc (09022015). Collection method: clinical testing. Allele origin: germline.
Comment: This sequence change replaces methionine, which is neutral and non-polar, with valine, which is neutral and non-polar, at codon 2262 of the DNAH9 protein (p.Met2262Val). This variant is not present in population databases (gnomAD no frequency). This variant has not been reported in the literature in individuals affected with DNAH9-related conditions. Advanced modeling of protein sequence and biophysical properties (such as structural, functional, and spatial information, amino acid conservation, physicochemical variation, residue mobility, and thermodynamic stability) performed at Invitae indicates that this missense variant is not expected to disrupt DNAH9 protein function with a negative predictive value of 80%. In summary, the available evidence is currently insufficient to determine the role of this variant in disease. Therefore, it has been classified as a Variant of Uncertain Significance.